The following is an entry in ClinVar:

NM_000069.3(CACNA1S):c.3667-319G>C

Gene: CACNA1S (calcium voltage-gated channel subunit alpha1 S; minus strand). Cytogenetic location: 1q32.1.
Variant type: single nucleotide variant.
Coding change: c.3667-319G>C on transcript NM_000069.3 (MANE Select); 319 bases into the intron before coding-DNA position 3667, G replaced by C.
Molecular consequence: intron variant.
Genome position (GRCh38, 1-based): chr1:201,053,906, C>G on the plus strand (G>C on the coding strand, the complement: CACNA1S is on the minus strand). VCF-style: chr1-201053906-C-G. GRCh37 (hg19) VCF-style: chr1-201023034-C-G.
Identifiers: ClinVar variation 668880 (VCV000668880.1), dbSNP rs3767500, ClinGen allele CA10748464.

ClinVar aggregate classification (germline): Benign (1 of 4 stars; one submission).

Allele frequency attached by ClinVar (database versions not stated): gnomAD 0.41420 and 0.42656; TOPMed 0.41613; 1000 Genomes Project 30x 0.47533; 1000 Genomes Project 0.48502.
gnomAD v4.1: 64,928 of 151,992 alleles (43%); highest among the groups gnomAD compares: South Asian, 66%; 15,005 homozygotes.

Submission:

GeneDx
Classification: Benign. Last evaluated: 2018-06-18. Review status: criteria provided, single submitter. Criteria: GeneDx Variant Classification (06012015). Collection method: clinical testing. Allele origin: germline. Affected: yes.
Comment: This variant is considered likely benign or benign based on one or more of the following criteria: it is a conservative change, it occurs at a poorly conserved position in the protein, it is predicted to be benign by multiple in silico algorithms, and/or has population frequency not consistent with disease.